The following is an entry in ClinVar:

ClinVar aggregate classification (germline): Uncertain significance (1 of 4 stars; one submission).

Allele frequency attached by ClinVar (database versions not stated): gnomAD exomes below 0.00001; TOPMed below 0.00001; ExAC 0.00001.
gnomAD v4.1: 1 of 1,613,794 alleles (0.000062%); highest among the groups gnomAD compares: Non-Finnish European, 0.000085%; no homozygotes.

Submission:

Labcorp Genetics (formerly Invitae), Labcorp
Classification: Uncertain significance. Last evaluated: 2023-11-06. Review status: criteria provided, single submitter. Criteria: Invitae Variant Classification Sherloc (09022015). Collection method: clinical testing. Allele origin: germline.
Comment: This sequence change replaces tyrosine, which is neutral and polar, with histidine, which is basic and polar, at codon 1853 of the MYH3 protein (p.Tyr1853His). This variant is present in population databases (rs767862287, gnomAD 0.007%). This variant has not been reported in the literature in individuals affected with MYH3-related conditions. Advanced modeling of protein sequence and biophysical properties (such as structural, functional, and spatial information, amino acid conservation, physicochemical variation, residue mobility, and thermodynamic stability) performed at Invitae indicates that this missense variant is not expected to disrupt MYH3 protein function with a negative predictive value of 95%. In summary, the available evidence is currently insufficient to determine the role of this variant in disease. Therefore, it has been classified as a Variant of Uncertain Significance.

NM_002470.4(MYH3):c.5557T>C (p.Tyr1853His)

Gene: MYH3 (myosin heavy chain 3; minus strand). Cytogenetic location: 17p13.1.
Variant type: single nucleotide variant.
Coding change: c.5557T>C on transcript NM_002470.4 (MANE Select); coding-DNA position 5557, T replaced by C.
Protein change: p.Tyr1853His; replaces tyrosine 1853 with histidine.
Molecular consequence: missense variant.
Genome position (GRCh38, 1-based): chr17:10,630,097, A>G on the plus strand (T>C on the coding strand, the complement: MYH3 is on the minus strand). VCF-style: chr17-10630097-A-G. GRCh37 (hg19) VCF-style: chr17-10533414-A-G.
Other names: short protein forms Y1853H.
Identifiers: ClinVar variation 2903828 (VCV002903828.3), dbSNP rs767862287, ClinGen allele CA8391893.